The following is an entry in ClinVar:

ClinVar aggregate classification (germline): Uncertain significance (1 of 4 stars; one submission).

Submission:

Labcorp Genetics (formerly Invitae), Labcorp
Classification: Uncertain significance. Last evaluated: 2021-12-09. Review status: criteria provided, single submitter. Criteria: Invitae Variant Classification Sherloc (09022015). Collection method: clinical testing. Allele origin: germline.
Comment: A copy number gain of the genomic region encompassing the full coding sequence of the ADIPOR1 gene has been identified. The boundaries of this event are unknown as they extend beyond the assayed region for this gene and therefore may encompass additional genes. As the precise location of this event is unknown, it may be in tandem or it may be located elsewhere in the genome. This variant has not been reported in the literature in individuals affected with ADIPOR1-related conditions. In summary, the available evidence is currently insufficient to determine the role of this variant in disease. Therefore, it has been classified as a Variant of Uncertain Significance.

NC_000001.10:g.(?_202910701)_(202920198_?)dup

Gene: ADIPOR1 (adiponectin receptor 1; minus strand). Cytogenetic location: 1q32.1.
Variant type: Duplication.
Identifiers: ClinVar variation 2426257 (VCV002426257.3).